The following is an entry in ClinVar:

ClinVar aggregate classification (germline): Likely pathogenic (1 of 4 stars; one submission).

Conditions:
Zellweger spectrum disorders (ZS). Also called: Zellweger Spectrum Disorder (ZSD); Zellweger syndrome; Zellweger Spectrum Disorder; Zellweger Spectrum. Identifiers: Orphanet 912, MedGen C0043459, MONDO:0019609.

Submission:

Natera, Inc.
Classification: Likely pathogenic for Zellweger syndrome. Last evaluated: 2025-11-25. Review status: criteria provided, single submitter. Criteria: Natera Variant Classification Schema (03/2026). Collection method: clinical testing. Allele origin: germline.
Comment: The c.126_217delTGCAGGGGAGAGCCCGGCAGGGCCGGCGCTGCTGGTGGCAGCCCTGGAGGGGCCGGACGCGGGCACCGAAGAGCAGGGTCCCGGGCCGCCGC variant in PEX6 is a frameshift variant predicted to shift the reading frame beginning at codon 44 and leads to a stop codon 3 codons downstream. This variant is expected to result in nonsense mediated decay, truncation, or a dysfunctional protein product. This variant is rare in the general population with a frequency below the threshold expected for the associated phenotype(s). Given the available evidence, this variant is classified as Likely Pathogenic.

NM_000287.4(PEX6):c.126_217del (p.Gly44fs)

Gene: PEX6 (peroxisomal biogenesis factor 6; minus strand). Cytogenetic location: 6p21.1.
Variant type: Deletion.
Coding change: c.126_217del on transcript NM_000287.4 (MANE Select); coding-DNA positions 126 to 217, 92 bases deleted.
Protein change: p.Gly44fs; shifts the reading frame from glycine 44.
Molecular consequence: frameshift variant. On other transcripts: non-coding transcript variant (1).
Genome position (GRCh38, 1-based): chr6:42,978,934-42,979,025, 92 bases deleted. GRCh37 (hg19): chr6:42,946,673-42,946,764.
Other names: c.126_217del, p.Gly44fs (NM_001316313.2); short protein forms G44fs.
Identifiers: ClinVar variation 4818109 (VCV004818109.1).